The following is an entry in ClinVar:

ClinVar aggregate classification (germline): Uncertain significance (1 of 4 stars; one submission).

Submission:

GeneDx
Classification: Uncertain significance. Last evaluated: 2022-06-25. Review status: criteria provided, single submitter. Criteria: GeneDx Variant Classification Process June 2021. Collection method: clinical testing. Allele origin: germline. Affected: yes.
Comment: Not observed at significant frequency in large population cohorts (gnomAD); In silico analysis supports that this missense variant does not alter protein structure/function; Has not been previously published as pathogenic or benign to our knowledge

NM_003072.5(SMARCA4):c.226A>C (p.Met76Leu)

Gene: SMARCA4 (SWI/SNF related BAF chromatin remodeling complex subunit ATPase 4; plus strand). Cytogenetic location: 19p13.2.
Variant type: single nucleotide variant.
Coding change: c.226A>C on transcript NM_003072.5 (MANE Select); coding-DNA position 226, A replaced by C.
Protein change: p.Met76Leu; replaces methionine 76 with leucine.
Molecular consequence: missense variant. On other transcripts: non-coding transcript variant (1).
Genome position (GRCh38, 1-based): chr19:10,985,276, A>C. VCF-style: chr19-10985276-A-C. GRCh37 (hg19) VCF-style: chr19-11095952-A-C.
Other names: c.226A>C, p.Met76Leu (NM_001128844.3, NM_001128845.2, NM_001128846.2 and 6 more transcripts); short protein forms M76L.
Identifiers: ClinVar variation 1810084 (VCV001810084.1), dbSNP rs1225673675, ClinGen allele CA404055074.
Genomic context (GRCh38, chr19:10,985,276, plus strand): 5'-GCGCTGCCACCTCACGTTCCACATGCTGACCCTGCCTTGCCATGGTCCCTCTCGCAGCCC[A>C]TGGAGTCCATGCATGAGAAGGGCATGTCGGACGACCCGCGCTACAACCAGATGAAAGGAA-3'
Protein context (NP_003063.2, residues 66-86): QDNMHQMHKP[Met76Leu]ESMHEKGMSD